The following is an entry in ClinVar:

NM_001099857.5(IKBKG):c.519-2A>C

Gene: IKBKG (inhibitor of nuclear factor kappa B kinase regulatory subunit gamma; plus strand). Cytogenetic location: Xq28.
Variant type: single nucleotide variant.
Coding change: c.519-2A>C on transcript NM_001099857.5 (MANE Select); the canonical splice acceptor site of the intron before coding-DNA position 519, A replaced by C.
Molecular consequence: splice acceptor variant. On other transcripts: intron variant (3).
Genome position (GRCh38, 1-based): chrX:154,560,405, A>C. VCF-style: chrX-154560405-A-C. GRCh37 (hg19) VCF-style: chrX-153788620-A-C.
Other names: c.519-2A>C (NM_001377312.1, NM_001321396.3, NM_003639.4); c.516-2A>C (NM_001377313.1, NM_001321397.3); c.723-2A>C (NM_001099856.6); c.519-1283A>C (NM_001145255.4); c.516-1283A>C (NM_001377314.1); c.400-2405A>C (NM_001377315.1).
Identifiers: ClinVar variation 1012178 (VCV001012178.4), dbSNP rs2071121693, ClinGen allele CA415214431.

ClinVar aggregate classification (germline): Likely pathogenic (1 of 4 stars; one submission).

Conditions:
NEMO deleted exon 5-autoinflammatory syndrome (NEMO-NDAS).

Submission:

Undiagnosed Diseases Network, NIH
Classification: Likely pathogenic for NEMO deleted exon 5-autoinflammatory syndrome (NEMO-NDAS). Last evaluated: 2021-03-02. Review status: criteria provided, single submitter. Criteria: ACMG Guidelines, 2015. Collection method: clinical testing. Allele origin: de novo. Inheritance: X-linked inheritance. Affected: yes. Observed: 1 variant allele, 1 heterozygote. Study: Undiagnosed Diseases Network (NIH), UDN.
Comment: This is a new condition described in PMID: 31874111. RNAseq confirmed exon 5 skipping. Also skewed X inactivation with majority of transcripts skipping exon 5.

Literature cited by the submitters: PubMed 31874111.